The following is an entry in ClinVar:

ClinVar aggregate classification (germline): Uncertain significance (1 of 4 stars; one submission).

Conditions:
Glycogen storage disease IXb (GSD9B). Also called: PHOSPHORYLASE KINASE DEFICIENCY OF LIVER AND MUSCLE, AUTOSOMAL RECESSIVE; GLYCOGENOSIS OF LIVER AND MUSCLE, AUTOSOMAL RECESSIVE; GSD IXb. Identifiers: Orphanet 79240, MedGen C0543514, MONDO:0009868, OMIM 261750.

Allele frequency attached by ClinVar (database versions not stated): ExAC 0.00001.

Submission:

Labcorp Genetics (formerly Invitae), Labcorp
Classification: Uncertain significance for Glycogen storage disease IXb. Last evaluated: 2022-05-03. Review status: criteria provided, single submitter. Criteria: Invitae Variant Classification Sherloc (09022015). Collection method: clinical testing. Allele origin: germline.
Comment: In summary, the available evidence is currently insufficient to determine the role of this variant in disease. Therefore, it has been classified as a Variant of Uncertain Significance. Algorithms developed to predict the effect of missense changes on protein structure and function are either unavailable or do not agree on the potential impact of this missense change (SIFT: "Deleterious"; PolyPhen-2: "Possibly Damaging"; Align-GVGD: "Class C0"). This variant has not been reported in the literature in individuals affected with PHKB-related conditions. This variant is present in population databases (rs750368244, gnomAD 0.0009%). This sequence change replaces cysteine, which is neutral and slightly polar, with tyrosine, which is neutral and polar, at codon 148 of the PHKB protein (p.Cys148Tyr).

NM_000293.3(PHKB):c.443G>A (p.Cys148Tyr)

Gene: PHKB (phosphorylase kinase regulatory subunit beta; plus strand). Cytogenetic location: 16q12.1.
Variant type: single nucleotide variant.
Coding change: c.443G>A on transcript NM_000293.3 (MANE Select); coding-DNA position 443, G replaced by A.
Protein change: p.Cys148Tyr; replaces cysteine 148 with tyrosine.
Molecular consequence: missense variant.
Genome position (GRCh38, 1-based): chr16:47,511,702, G>A. VCF-style: chr16-47511702-G-A. GRCh37 (hg19) VCF-style: chr16-47545613-G-A.
Other names: c.422G>A, p.Cys141Tyr (NM_001031835.3); c.443G>A, p.Cys148Tyr (NM_001363837.1); short protein forms C141Y, C148Y.
Identifiers: ClinVar variation 1973338 (VCV001973338.5), dbSNP rs750368244, ClinGen allele CA8040488.